The following is an entry in ClinVar:

ClinVar aggregate classification (germline): Likely pathogenic. Review status: criteria provided, multiple submitters, no conflicts (2 of 4 stars). 5 submissions from 4 submitters: Likely pathogenic (4). 1 of the submissions does not count toward it. Last evaluated 2025-11-07.

Conditions:
Tyrosinemia type I (TYRSN1). Also called: Tyrosinemia type 1; Fumarylacetoacetase deficiency; Deficiency of fumarylacetoacetase; FAH DEFICIENCY; HEPATORENAL TYROSINEMIA. Identifiers: Orphanet 882, MedGen C0268490, MONDO:0010161, OMIM 276700. Disease mechanism: loss of function.
Beta-D-mannosidosis (MANSB). Also called: MANNOSIDOSIS, BETA A, LYSOSOMAL; Beta-Mannosidosis; BETA-MANNOSIDASE DEFICIENCY; LYSOSOMAL BETA-MANNOSIDASE DEFICIENCY. Identifiers: Orphanet 118, MedGen C4048196, MONDO:0009562, OMIM 248510.

Submissions (5):

Kasturba Medical College, Manipal, Kasturba Medical College, Manipal, Manipal Academy of Higher Education, Manipal, India
Classification: Likely pathogenic for Tyrosinemia type I. Last evaluated: 2025-11-07. Review status: criteria provided, single submitter. Criteria: ACMG Guidelines, 2015. Collection method: research. Allele origin: biparental. Inheritance: Autosomal recessive inheritance. Affected: yes. Observed: 1 homozygote.
Comment: This variant is present in the gnomAD (v4.0.0) population database in 3 individuals in a heterozygous state. This variant is absent in homozygous state in gnomAD (v4.0.0) population database and in our in-house data of 3851 exomes. This canonical splice variant likely to result in aberrant splicing and lead either the formation of a truncated protein or the transcript may undergo nonsense mediated mRNA decay. Clinical findings observed in the proband are in concordance with tyrosinemia, type I.

Fulgent Genetics
Classification: Likely pathogenic for Tyrosinemia type I. Last evaluated: 2024-03-25. Review status: criteria provided, single submitter. Criteria: ACMG Guidelines, 2015. Collection method: clinical testing. Allele origin: germline.

Women's Health and Genetics/Laboratory Corporation of America, LabCorp
Classification: Likely pathogenic for Tyrosinemia type I. Last evaluated: 2024-03-21. Review status: criteria provided, single submitter. Criteria: LabCorp Variant Classification Summary - May 2015. Collection method: clinical testing. Allele origin: germline.
Comment: Variant summary: FAH c.960+1G>A is located in a canonical splice-site and is predicted to affect mRNA splicing resulting in a significantly altered protein due to either exon skipping, shortening, or inclusion of intronic material. Several computational tools predict a significant impact on normal splicing: Four predict the variant abolishes a 5' splicing donor site. However, these predictions have yet to be confirmed by functional studies. The variant was absent in 251474 control chromosomes. To our knowledge, no occurrence of c.960+1G>A in individuals affected with Tyrosinemia Type 1 and no experimental evidence demonstrating its impact on protein function have been reported. ClinVar contains an entry for this variant (Variation ID: 371348). Based on the evidence outlined above, the variant was classified as likely pathogenic.

Women's Health and Genetics/Laboratory Corporation of America, LabCorp
Classification: Likely pathogenic for Beta-D-mannosidosis. Last evaluated: 2024-03-21. Review status: criteria provided, single submitter. Criteria: LabCorp Variant Classification Summary - May 2015. Collection method: clinical testing. Allele origin: germline.
Comment: Variant summary: MANBA c.960+1G>A is located in a canonical splice-site and is predicted to affect mRNA splicing resulting in a significantly altered protein due to either exon skipping, shortening, or inclusion of intronic material. Several computational tools predict a significant impact on normal splicing: Four predict the variant abolishes a 5' splicing donor site. cDNA sequencing shows mis-splicing results in a four-base (ATAA) insertion between exons 7 and 8, which replaces the C-terminal sequence of the protein with an aberrant and truncated peptide of four residues (Uchino_2003). The variant allele was found at a frequency of 1.2e-05 in 248618 control chromosomes. c.960+1G>A has been reported in the literature in one homozygous individual affected with Beta-Mannosidosis (Uchino_2003). The activity of b-mannosidase in plasma from the affected homozygous individual was very low, at about 2% of the value in healthy controls, suggesting the variant impacts protein function (Uchino_2003). No clinical diagnostic laboratories have submitted clinical-significance assessments for this variant to ClinVar after 2014. Based on the evidence outlined above, the variant was classified as pathogenic.

Counsyl
Classification: Likely pathogenic for Tyrosinemia type I. Last evaluated: 2016-09-02. Review status: no assertion criteria provided. Collection method: clinical testing. Allele origin: unknown. Not counted in ClinVar's aggregate classification.

NM_000137.4(FAH):c.960+1G>A

Gene: FAH (fumarylacetoacetate hydrolase; plus strand). Cytogenetic location: 15q25.1.
Variant type: single nucleotide variant.
Coding change: c.960+1G>A on transcript NM_000137.4 (MANE Select); the canonical splice donor site of the intron after coding-DNA position 960, G replaced by A.
Molecular consequence: splice donor variant.
Genome position (GRCh38, 1-based): chr15:80,177,584, G>A. VCF-style: chr15-80177584-G-A. GRCh37 (hg19) VCF-style: chr15-80469926-G-A.
Other names: c.960+1G>A (NM_001374377.1, NM_001374380.1).
Identifiers: ClinVar variation 371348 (VCV000371348.7), dbSNP rs1057517201, ClinGen allele CA16041760.
Genomic context (GRCh38, chr15:80,177,584, plus strand): 5'-TTCTTTCCAACAGGAGAAGGAATGAGCCAGGCGGCTACCATATGCAAGTCCAATTTTAAG[G>A]TAAGCTTTGACGCTGATCAGACTGCTTTTTAGAATTGAGGGAAAGAGAGACTTTTCTTCC-3'